The following is an entry in ClinVar:

ClinVar aggregate classification (germline): Likely benign. Review status: criteria provided, single submitter (1 of 4 stars). 2 submissions from 2 submitters: Likely benign (1). 1 of the submissions does not count toward it. Last evaluated 2025-11-20.

Conditions:
CYP26B1-related disorder. Also called: CYP26B1-related condition.

Allele frequency attached by ClinVar (database versions not stated): gnomAD 0.00008 and 0.00009; gnomAD exomes 0.00009 and 0.00026; TOPMed 0.00017; ExAC 0.00018.
gnomAD v4.1: 139 of 1,611,546 alleles (0.0086%); highest among the groups gnomAD compares: Admixed American, 0.13%; no homozygotes.

Submissions (2):

Labcorp Genetics (formerly Invitae), Labcorp
Classification: Likely benign. Last evaluated: 2025-11-20. Review status: criteria provided, single submitter. Criteria: Invitae Variant Classification Sherloc (09022015). Collection method: clinical testing. Allele origin: germline.

PreventionGenetics, part of Exact Sciences
Classification: Likely benign for CYP26B1-related condition. Last evaluated: 2023-03-28. Review status: no assertion criteria provided. Collection method: clinical testing. Allele origin: germline. Not counted in ClinVar's aggregate classification.
Comment: This variant is classified as likely benign based on ACMG/AMP sequence variant interpretation guidelines (Richards et al. 2015 PMID: 25741868, with internal and published modifications).

NM_019885.4(CYP26B1):c.1017C>T (p.Cys339=)

Gene: CYP26B1 (cytochrome P450 family 26 subfamily B member 1; minus strand). Cytogenetic location: 2p13.2.
Variant type: single nucleotide variant.
Coding change: c.1017C>T on transcript NM_019885.4 (MANE Select); coding-DNA position 1017, C replaced by T.
Protein change: p.Cys339=; no amino-acid change (cysteine 339 retained).
Molecular consequence: synonymous variant.
Genome position (GRCh38, 1-based): chr2:72,133,152, G>A on the plus strand (C>T on the coding strand, the complement: CYP26B1 is on the minus strand). VCF-style: chr2-72133152-G-A. GRCh37 (hg19) VCF-style: chr2-72360281-G-A.
Other names: c.792C>T, p.Cys264= (NM_001277742.2).
Identifiers: ClinVar variation 729011 (VCV000729011.10), dbSNP rs775239122, ClinGen allele CA1707886.